The following is an entry in ClinVar:

NM_033215.5(PPP1R3F):c.906G>C (p.Gln302His)

Gene: PPP1R3F (protein phosphatase 1 regulatory subunit 3F; plus strand). Cytogenetic location: Xp11.23.
Variant type: single nucleotide variant.
Coding change: c.906G>C on transcript NM_033215.5 (MANE Select); coding-DNA position 906, G replaced by C.
Protein change: p.Gln302His; replaces glutamine 302 with histidine.
Molecular consequence: missense variant. On other transcripts: intron variant (1).
Genome position (GRCh38, 1-based): chrX:49,270,775, G>C. VCF-style: chrX-49270775-G-C. GRCh37 (hg19) VCF-style: chrX-49127238-G-C.
Other names: c.-32+842G>C (NM_001184745.2); short protein forms Q302H.
Identifiers: ClinVar variation 4281113 (VCV004281113.7).

ClinVar aggregate classification (germline): Likely benign (1 of 4 stars; one submission).

gnomAD v4.1: 30 of 1,194,909 alleles (0.0025%); highest among the groups gnomAD compares: Non-Finnish European, 0.0033%; no homozygotes.

Submission:

CeGaT Center for Human Genetics Tuebingen
Classification: Likely benign. Last evaluated: 2025-09-01. Review status: criteria provided, single submitter. Criteria: CeGaT Center For Human Genetics Tuebingen Variant Classification Criteria Version 2. Collection method: clinical testing. Allele origin: germline. Affected: yes. Observed: 1 variant allele.
Comment: PPP1R3F: BS2